The following is an entry in ClinVar:

ClinVar aggregate classification (germline): Likely benign. Review status: criteria provided, multiple submitters, no conflicts (2 of 4 stars). 3 submissions from 3 submitters: Likely benign (2). 1 of the submissions does not count toward it. Last evaluated 2025-11-26.

Conditions:
Inflammatory skin and bowel disease, neonatal, 1. Identifiers: Orphanet 294023, MedGen C3280501, MONDO:0013693, OMIM 614328.
ADAM17-related disorder. Also called: ADAM17-related condition.

Submissions (5):

Labcorp Genetics (formerly Invitae), Labcorp
Classification: Likely benign for Inflammatory skin and bowel disease, neonatal, 1. Last evaluated: 2025-11-26. Review status: criteria provided, single submitter. Criteria: Invitae Variant Classification Sherloc (09022015). Collection method: clinical testing. Allele origin: germline.

Blueprint Genetics
Classification: Likely benign. Last evaluated: 2024-11-06. Review status: criteria provided, single submitter. Criteria: ACMG Guidelines, 2015. Collection method: clinical testing. Allele origin: germline.

PreventionGenetics, part of Exact Sciences
Classification: Likely benign for ADAM17-related condition. Last evaluated: 2019-08-09. Review status: no assertion criteria provided. Collection method: clinical testing. Allele origin: germline. Not counted in ClinVar's aggregate classification.
Comment: This variant is classified as likely benign based on ACMG/AMP sequence variant interpretation guidelines (Richards et al. 2015 PMID: 25741868, with internal and published modifications).

Dr. Peter K. Rogan Lab, Western University
No classification provided (evidence only). Condition: Nonpapillary renal cell carcinoma. Review status: no classification provided. Collection method: in vitro. Allele origin: not applicable. Functional consequence: retained intron. Not counted in ClinVar's aggregate classification.

Dr. Peter K. Rogan Lab, Western University
No classification provided (evidence only). Condition: Nonpapillary renal cell carcinoma. Review status: no classification provided. Collection method: in vitro. Allele origin: not applicable. Functional consequence: retained intron. Not counted in ClinVar's aggregate classification.

NM_003183.6(ADAM17):c.362-9del

Gene: ADAM17 (ADAM metallopeptidase domain 17; minus strand). Cytogenetic location: 2p25.1.
Variant type: Deletion.
Coding change: c.362-9del on transcript NM_003183.6 (MANE Select); 9 bases into the intron before coding-DNA position 362, one base deleted (T; older notation c.362-9delT).
Molecular consequence: intron variant.
Genome position (GRCh38, 1-based): chr2:9,535,931, A deleted on the plus strand (T on the coding strand, the reverse complement: ADAM17 is on the minus strand); the first of 10 consecutive A bases (chr2:9,535,931-9,535,940); deleting any one gives the same sequence. VCF-style (leftmost placement, unchanged base first): chr2-9535930-GA-G. GRCh37 (hg19) VCF-style: chr2-9676059-GA-G.
Other names: NC_000002.11:g.9676069del; c.-319-9del (NM_001382777.1); c.-561-9del (NM_001382778.1); c.362-18del (NM_003183.6).
Identifiers: ClinVar variation 1154607 (VCV001154607.13), dbSNP rs769247529, ClinGen allele CA1523785.
Genomic context (GRCh38, chr2:9,535,930, plus strand): 5'-GATTATAACATCATCATCTCTTATGTGGGCTAGAACCCTAGAGTCAGGCTCACCTTAAGA[GA>G]AAAAAAAAATTATTATTTAAAAATACTTACATCAAATAAGAAACTATGCATTACTCTCAA-3'